The following is an entry in ClinVar:

NM_002397.5(MEF2C):c.1100+111T>C

Gene: MEF2C (myocyte enhancer factor 2C; minus strand). Cytogenetic location: 5q14.3.
Variant type: single nucleotide variant.
Coding change: c.1100+111T>C on transcript NM_002397.5 (MANE Select); 111 bases into the intron after coding-DNA position 1100, T replaced by C.
Molecular consequence: intron variant.
Genome position (GRCh38, 1-based): chr5:88,728,382, A>G on the plus strand (T>C on the coding strand, the complement: MEF2C is on the minus strand). VCF-style: chr5-88728382-A-G. GRCh37 (hg19) VCF-style: chr5-88024199-A-G.
Other names: c.1100+111T>C (NM_001364329.2, NM_001364330.2, NM_001193350.2 and 9 more transcripts); c.1076+111T>C (NM_001364333.2, NM_001308002.3, NM_001364349.2 and 6 more transcripts); c.956+111T>C (NM_001364344.2, NM_001364354.2, NM_001364332.2 and 2 more transcripts); c.722+111T>C (NM_001364353.2, NM_001364356.2); c.1070+111T>C (NM_001131005.2, NM_001364352.2, NM_001364343.2); c.1130+111T>C (NM_001193347.1, NM_001364338.2); c.932+111T>C (NM_001193348.1); c.650+111T>C (NM_001364357.2).
Identifiers: ClinVar variation 677649 (VCV000677649.1), dbSNP rs45596931, ClinGen allele CA122608602.

ClinVar aggregate classification (germline): Likely benign (1 of 4 stars; one submission).

Allele frequency attached by ClinVar (database versions not stated): gnomAD exomes 0.00038; gnomAD 0.00402 and 0.00426; TOPMed 0.00438; 1000 Genomes Project 0.00459; 1000 Genomes Project 30x 0.00484.
gnomAD v4.1: 890 of 874,502 alleles (0.1%); highest among the groups gnomAD compares: African/African-American, 1.4%; 4 homozygotes.

Submission:

GeneDx
Classification: Likely benign. Last evaluated: 2018-06-19. Review status: criteria provided, single submitter. Criteria: GeneDx Variant Classification (06012015). Collection method: clinical testing. Allele origin: germline. Affected: yes.
Comment: This variant is considered likely benign or benign based on one or more of the following criteria: it is a conservative change, it occurs at a poorly conserved position in the protein, it is predicted to be benign by multiple in silico algorithms, and/or has population frequency not consistent with disease.